The following is an entry in ClinVar:

NM_001382430.1(AKT1):c.1351C>T (p.Pro451Ser)

Gene: AKT1 (AKT serine/threonine kinase 1; minus strand). Cytogenetic location: 14q32.33.
Variant type: single nucleotide variant.
Coding change: c.1351C>T on transcript NM_001382430.1 (MANE Select); coding-DNA position 1351, C replaced by T.
Protein change: p.Pro451Ser; replaces proline 451 with serine.
Molecular consequence: missense variant.
Genome position (GRCh38, 1-based): chr14:104,770,757, G>A on the plus strand (C>T on the coding strand, the complement: AKT1 is on the minus strand). VCF-style: chr14-104770757-G-A. GRCh37 (hg19) VCF-style: chr14-105237094-G-A.
Other names: c.1351C>T, p.Pro451Ser (NM_001014431.2, NM_001014432.2, NM_001382431.1 and 3 more transcripts); short protein forms P451S.
Identifiers: ClinVar variation 1031512 (VCV001031512.1), dbSNP rs1892340313, ClinGen allele CA391214410.

ClinVar aggregate classification (germline): Uncertain significance (1 of 4 stars; one submission).

Conditions:
Cowden syndrome 6 (CWS6). Identifiers: Orphanet 201, MedGen C3554519, MONDO:0014048, OMIM 615109.

gnomAD v4.1: 7 of 1,614,046 alleles (0.00043%); highest among the groups gnomAD compares: Non-Finnish European, 0.00059%; no homozygotes.

Submission:

Baylor Genetics
Classification: Uncertain significance for Cowden syndrome 6. Last evaluated: 2018-07-06. Review status: criteria provided, single submitter. Criteria: ACMG Guidelines, 2015. Collection method: clinical testing. Allele origin: unknown. Affected: yes.
Comment: This variant was determined to be of uncertain significance according to ACMG Guidelines, 2015 [PMID:25741868].